The following is an entry in ClinVar:

NM_016341.4(PLCE1):c.4506+1G>A

Gene: PLCE1 (phospholipase C epsilon 1; plus strand). Cytogenetic location: 10q23.33.
Variant type: single nucleotide variant.
Coding change: c.4506+1G>A on transcript NM_016341.4 (MANE Select); the canonical splice donor site of the intron after coding-DNA position 4506, G replaced by A.
Molecular consequence: splice donor variant.
Genome position (GRCh38, 1-based): chr10:94,270,603, G>A. VCF-style: chr10-94270603-G-A. GRCh37 (hg19) VCF-style: chr10-96030360-G-A.
Other names: c.4458+1G>A (NM_001288989.2); c.3582+1G>A (NM_001165979.2).
Identifiers: ClinVar variation 1324929 (VCV001324929.7), dbSNP rs2133127091, ClinGen allele CA377648722.

ClinVar aggregate classification (germline): Likely pathogenic. Review status: criteria provided, multiple submitters, no conflicts (2 of 4 stars). 3 submissions from 3 submitters: Likely pathogenic (3). Last evaluated 2024-01-24.

Conditions:
Nephrotic syndrome, type 3 (NPHS3). Also called: NEPHROTIC SYNDROME, EARLY-ONSET, TYPE 3. Identifiers: Orphanet 656, MedGen C1853124, MONDO:0012546, OMIM 610725.

Submissions (3):

Fulgent Genetics
Classification: Likely pathogenic for Nephrotic syndrome, type 3. Last evaluated: 2024-01-24. Review status: criteria provided, single submitter. Criteria: ACMG Guidelines, 2015. Collection method: clinical testing. Allele origin: germline.

Laboratorio de Genetica e Diagnostico Molecular, Hospital Israelita Albert Einstein
Classification: Likely pathogenic for Nephrotic syndrome, type 3. Last evaluated: 2021-10-26. Review status: criteria provided, single submitter. Criteria: ACMG Guidelines, 2015. Collection method: clinical testing. Allele origin: germline. Affected: yes.
Comment: ACMG classification criteria: PVS1 strong, PM2 moderate, PM3 moderate

Revvity Omics, Revvity
Classification: Likely pathogenic for Nephrotic syndrome, type 3. Last evaluated: 2021-08-06. Review status: criteria provided, single submitter. Criteria: ACMG Guidelines, 2015. Collection method: clinical testing. Allele origin: germline.